The following is an entry in ClinVar:

ClinVar aggregate classification (germline): Benign (1 of 4 stars; one submission).

Conditions:
Lynch syndrome 4 (LYNCH4). Also called: Colorectal cancer, hereditary nonpolyposis, type 4; Hereditary non-polyposis colorectal cancer, type 4. Identifiers: Orphanet 144, MedGen C1838333, MONDO:0013699, OMIM 614337. Disease mechanism: loss of function.

Submission:

Myriad Genetics, Inc.
Classification: Benign for Lynch syndrome 4. Last evaluated: 2025-01-28. Review status: criteria provided, single submitter. Criteria: Myriad Autosomal Dominant, Autosomal Recessive and X-Linked Classification Criteria (2023). Collection method: clinical testing. Allele origin: unknown.
Comment: This variant is considered benign. This variant is a silent/synonymous amino acid change and it is not expected to impact splicing.

NM_000535.7(PMS2):c.813T>G (p.Gly271=)

Gene: PMS2 (PMS1 homolog 2, mismatch repair system component; minus strand). Cytogenetic location: 7p22.1.
Variant type: single nucleotide variant.
Coding change: c.813T>G on transcript NM_000535.7 (MANE Select); coding-DNA position 813, T replaced by G.
Protein change: p.Gly271=; no amino-acid change (glycine 271 retained).
Molecular consequence: synonymous variant. On other transcripts: 5 prime UTR variant (2), non-coding transcript variant (1), intron variant (4).
Genome position (GRCh38, 1-based): chr7:5,995,624, A>C on the plus strand (T>G on the coding strand, the complement: PMS2 is on the minus strand). VCF-style: chr7-5995624-A-C. GRCh37 (hg19) VCF-style: chr7-6035255-A-C.
Other names: c.408T>G, p.Gly136= (NM_001322003.2, NM_001322004.2, NM_001322005.2 and 19 more transcripts); c.813T>G, p.Gly271= (NM_001322006.2, NM_001322014.2, NM_001406870.1 and 2 more transcripts); c.495T>G, p.Gly165= (NM_001322007.2, NM_001322008.2, NM_001406876.1 and 4 more transcripts); c.-121T>G (NM_001322011.2, NM_001322012.2); c.240T>G, p.Gly80= (NM_001322013.2, NM_001406909.1); c.504T>G, p.Gly168= (NM_001322015.2, NM_001406875.1, NM_001406877.1 and 6 more transcripts); c.999T>G, p.Gly333= (NM_001406866.1); c.837T>G, p.Gly279= (NM_001406868.1); and 8 more.
Identifiers: ClinVar variation 3903769 (VCV003903769.1).